The following is an entry in ClinVar:

ClinVar aggregate classification (germline): Uncertain significance (1 of 4 stars; one submission).

Submission:

Women's Health and Genetics/Laboratory Corporation of America, LabCorp
Classification: Uncertain significance. Last evaluated: 2026-04-16. Review status: criteria provided, single submitter. Criteria: LabCorp Variant Classification Summary - May 2015. Collection method: clinical testing. Allele origin: germline.
Comment: Variant summary: DNAH14 c.3622delC (p.Glu1209ArgfsX4) results in a premature termination codon, predicted to cause a truncation of the encoded protein or absence of the protein due to nonsense mediated decay, however current evidence is not sufficient to establish loss of function as a mechanism for disease. The variant allele was found at a frequency of 7.7e-05 in 156210 control chromosomes. This frequency is not significantly higher than estimated for disease-causing variants in DNAH14, allowing no conclusion about variant significance. To our knowledge, no occurrence of c.3622delC in individuals affected with DNAH14-related conditions and no experimental evidence demonstrating its impact on protein function have been reported. No submitters have cited clinical-significance assessments for this variant to ClinVar. Based on the evidence outlined above, the variant was classified as uncertain significance.

NM_001367479.1(DNAH14):c.3622del (p.Glu1209fs)

Gene: DNAH14 (dynein axonemal heavy chain 14; plus strand). Cytogenetic location: 1q42.12.
Variant type: Deletion.
Coding change: c.3622del on transcript NM_001367479.1 (MANE Select); coding-DNA position 3622, one base deleted (C; older notation c.3622delC).
Protein change: p.Glu1209fs; shifts the reading frame from glutamic acid 1209.
Molecular consequence: frameshift variant.
Genome position (GRCh38, 1-based): chr1:225,097,166, C deleted; the last of 3 consecutive C bases (chr1:225,097,164-225,097,166); deleting any one gives the same sequence. VCF-style (leftmost placement, unchanged base first): chr1-225097163-AC-A. GRCh37 (hg19) VCF-style: chr1-225284865-AC-A.
Other names: c.3622delC (NM_001367479.1); short protein forms E1209fs.
Identifiers: ClinVar variation 4848501 (VCV004848501.1).